The following is an entry in ClinVar:

ClinVar aggregate classification (germline): Likely pathogenic (1 of 4 stars; one submission).

Conditions:
Hereditary cancer-predisposing syndrome. Also called: Neoplastic Syndromes, Hereditary; Tumor predisposition; Hereditary Cancer Syndrome; Hereditary neoplastic syndrome. Identifiers: Orphanet 140162, MedGen C0027672, MeSH D009386, MONDO:0015356.

Submission:

Ambry Genetics
Classification: Likely pathogenic for Hereditary cancer-predisposing syndrome. Last evaluated: 2024-08-01. Review status: criteria provided, single submitter. Criteria: Ambry Variant Classification Scheme 2023. Collection method: clinical testing. Allele origin: germline.
Comment: The c.2251-2A>C intronic variant results from an A to C substitution two nucleotides before coding exon 14 of the ATM gene. This variant is considered to be rare based on population cohorts in the Genome Aggregation Database (gnomAD). This nucleotide position is highly conserved in available vertebrate species. In silico splice site analysis predicts that this alteration will weaken the native splice acceptor site and may result in the creation or strengthening of a novel splice acceptor site. RNA studies have demonstrated that this alteration results in abnormal splicing in the set of samples tested (Ambry internal data). Alterations that disrupt the canonical splice site are expected to cause aberrant splicing, resulting in an abnormal protein or a transcript that is subject to nonsense-mediated mRNA decay. As such, this alteration is classified as likely pathogenic.

NM_000051.4(ATM):c.2251-2A>C

Gene: ATM (ATM serine/threonine kinase; plus strand). Cytogenetic location: 11q22.3.
Variant type: single nucleotide variant.
Coding change: c.2251-2A>C on transcript NM_000051.4 (MANE Select); the canonical splice acceptor site of the intron before coding-DNA position 2251, A replaced by C.
Molecular consequence: splice acceptor variant.
Genome position (GRCh38, 1-based): chr11:108,257,479, A>C. VCF-style: chr11-108257479-A-C. GRCh37 (hg19) VCF-style: chr11-108128206-A-C.
Other names: c.2251-2A>C (NM_001351834.2).
Identifiers: ClinVar variation 1788430 (VCV001788430.3), dbSNP rs2135405559, ClinGen allele CA382539481.
Genomic context (GRCh38, chr11:108,257,479, plus strand): 5'-AAAAAGCAATACTAAACTATAATTTTAACTGGAATTTGCATTTTTCCTTCTATTCACAAT[A>C]GTCTCTAATGCAATGTGCAGGAGAAAGTATCACTCTGTTTAAAAATAAGACAAATGAGGA-3'